The following is an entry in ClinVar:

ClinVar aggregate classification (germline): Uncertain significance (1 of 4 stars; one submission).

Allele frequency attached by ClinVar (database versions not stated): gnomAD exomes below 0.00001.
gnomAD v4.1: 4 of 1,614,150 alleles (0.00025%); highest among the groups gnomAD compares: East Asian, 0.0022%; no homozygotes.

Submission:

Labcorp Genetics (formerly Invitae), Labcorp
Classification: Uncertain significance. Last evaluated: 2021-08-30. Review status: criteria provided, single submitter. Criteria: Invitae Variant Classification Sherloc (09022015). Collection method: clinical testing. Allele origin: germline.
Comment: This sequence change replaces alanine with valine at codon 540 of the TTLL5 protein (p.Ala540Val). The alanine residue is moderately conserved and there is a small physicochemical difference between alanine and valine. This variant is not present in population databases (ExAC no frequency). This variant has not been reported in the literature in individuals affected with TTLL5-related conditions. Algorithms developed to predict the effect of missense changes on protein structure and function (SIFT, PolyPhen-2, Align-GVGD) all suggest that this variant is likely to be tolerated. In summary, the available evidence is currently insufficient to determine the role of this variant in disease. Therefore, it has been classified as a Variant of Uncertain Significance.

NM_015072.5(TTLL5):c.1619C>T (p.Ala540Val)

Gene: TTLL5 (tubulin tyrosine ligase like 5; plus strand). Cytogenetic location: 14q24.3.
Variant type: single nucleotide variant.
Coding change: c.1619C>T on transcript NM_015072.5 (MANE Select); coding-DNA position 1619, C replaced by T.
Protein change: p.Ala540Val; replaces alanine 540 with valine.
Molecular consequence: missense variant.
Genome position (GRCh38, 1-based): chr14:75,764,683, C>T. VCF-style: chr14-75764683-C-T. GRCh37 (hg19) VCF-style: chr14-76231026-C-T.
Other names: short protein forms A540V.
Identifiers: ClinVar variation 1062983 (VCV001062983.6), dbSNP rs1178403095, ClinGen allele CA390466371.